The following is an entry in ClinVar:

NM_001282531.3(ADNP):c.64dup (p.Ile22fs)

Gene: ADNP (activity dependent neuroprotector homeobox; minus strand). Cytogenetic location: 20q13.13.
Variant type: Duplication.
Coding change: c.64dup on transcript NM_001282531.3 (MANE Select); coding-DNA position 64, one base duplicated (A; older notation c.64dupA).
Protein change: p.Ile22fs; shifts the reading frame from isoleucine 22.
Molecular consequence: frameshift variant.
Genome position (GRCh38, 1-based): chr20:50,903,933, T duplicated on the plus strand (A on the coding strand, the reverse complement: ADNP is on the minus strand); the first of 7 consecutive T bases (chr20:50,903,933-50,903,939); duplicating any one gives the same sequence. VCF-style (leftmost placement, unchanged base first): chr20-50903932-A-AT. GRCh37 (hg19) VCF-style: chr20-49520469-A-AT.
Other names: c.64dup, p.Ile22fs (NM_001282532.2, NM_001347511.2, NM_015339.5 and 1 more transcripts); short protein forms I22fs.
Identifiers: ClinVar variation 931423 (VCV000931423.18), dbSNP rs1982229334, ClinGen allele CA645613064.

ClinVar aggregate classification (germline): Pathogenic/Likely pathogenic. Review status: criteria provided, multiple submitters, no conflicts (2 of 4 stars). 8 submissions from 8 submitters: Pathogenic (5); Likely pathogenic (3). Last evaluated 2025-11-12.

Conditions:
ADNP-related disorder. Also called: ADNP-related condition.
ADNP-related multiple congenital anomalies - intellectual disability - autism spectrum disorder. Also called: ADNP-Related Helsmoortel-Van der Aa Syndrome; Helsmoortel-Van der Aa Syndrome. Identifiers: Orphanet 404448, MedGen C4014538, MONDO:0014379, OMIM 615873. Disease mechanism: loss of function.

Submissions (8):

Laboratorio de Genetica e Diagnostico Molecular, Hospital Israelita Albert Einstein
Classification: Pathogenic for ADNP-related multiple congenital anomalies - intellectual disability - autism spectrum disorder. Last evaluated: 2025-11-12. Review status: criteria provided, single submitter. Criteria: ACMG Guidelines, 2015. Collection method: clinical testing. Allele origin: germline. Affected: yes.
Comment: ACMG classification criteria: PVS1 very strong, PS4 supporting, PM2 supporting

Variantyx, Inc.
Classification: Likely pathogenic for ADNP-related multiple congenital anomalies - intellectual disability - autism spectrum disorder. Last evaluated: 2025-10-02. Review status: criteria provided, single submitter. Criteria: Variantyx Assertion Criteria 2022. Collection method: clinical testing. Allele origin: de novo. Inheritance: Autosomal dominant inheritance. Affected: yes.
Comment: This is a frameshift variant in the ADNP gene (OMIM: 611386). Pathogenic variants in this gene have been associated with autosomal dominant Helsmoortel-van der Aa syndrome. This variant likely occurred de novo in individuals reported in the published literature; however, the possibility of parental germline mosaicism cannot be excluded (PMID: 38254177) (PS2_Supporting). The alteration introduces a premature termination codon in exon 4 out of 6 and is expected to disrupt the C-terminal region of protein. While loss of function is a known disease mechanism for ADNP in this disorder, the functional consequence of this variant cannot be predicted with confidence (PMID: 38254177) (PVS1_Strong). This variant is absent from control populations (PM2). Based on the current evidence, this variant is classified as likely pathogenic for autosomal dominant Helsmoortel-van der Aa syndrome.

GeneDx
Classification: Pathogenic. Last evaluated: 2025-01-23. Review status: criteria provided, single submitter. Criteria: GeneDx Variant Classification Process June 2021. Collection method: clinical testing. Allele origin: germline.
Comment: Observed in a patient with intellectual disability, dark skin, and abnormal facial shape; however information regarding parental testing was not provided (PMID: 30687093); Frameshift variant predicted to result in protein truncation or nonsense mediated decay in a gene for which loss of function is a known mechanism of disease; Not observed at significant frequency in large population cohorts (gnomAD); This variant is associated with the following publications: (PMID: 30687093, 38254177)

Labcorp Genetics (formerly Invitae), Labcorp
Classification: Pathogenic. Last evaluated: 2024-05-29. Review status: criteria provided, single submitter. Criteria: Invitae Variant Classification Sherloc (09022015). Collection method: clinical testing. Allele origin: germline.
Comment: This sequence change creates a premature translational stop signal (p.Ile22Asnfs*3) in the ADNP gene. It is expected to result in an absent or disrupted protein product. Loss-of-function variants in ADNP are known to be pathogenic (PMID: 29724491, 30106381). This variant is not present in population databases (gnomAD no frequency). This premature translational stop signal has been observed in individual(s) with clinical features of Helsmoortel-Van der Aa syndrome (PMID: 30687093). ClinVar contains an entry for this variant (Variation ID: 931423). For these reasons, this variant has been classified as Pathogenic.

Genetics Laboratory, UDIAT-Centre Diagnòstic, Hospital Universitari Parc Tauli
Classification: Pathogenic. Last evaluated: 2021-04-26. Review status: criteria provided, single submitter. Criteria: Parc Tauli Hospital Assertion Criteria 2021. Collection method: clinical testing. Allele origin: de novo. Inheritance: Autosomal dominant inheritance. Affected: yes. Observed: 1 heterozygote.
Comment: PVS1_very strong;PM2_supporting;PM6_moderate;PP5_moderate;PP3_supporting

Blueprint Genetics
Classification: Pathogenic for ADNP-related disorders. Last evaluated: 2019-12-02. Review status: criteria provided, single submitter. Criteria: ACMG Guidelines, 2015. Collection method: clinical testing. Allele origin: de novo. Affected: yes. Observed: 1 variant allele.

Centre for Mendelian Genomics, University Medical Centre Ljubljana
Classification: Likely pathogenic for ADNP-related multiple congenital anomalies - intellectual disability - autism spectrum disorder. Last evaluated: 2018-12-13. Review status: criteria provided, single submitter. Criteria: ACMG Guidelines, 2015. Collection method: clinical testing. Allele origin: unknown. Affected: yes.
Comment: This variant was classified as: Likely pathogenic. The following ACMG criteria were applied in classifying this variant: PVS1,PM2.

Institute of Human Genetics, University of Leipzig Medical Center
Classification: Likely pathogenic for ADNP-related multiple congenital anomalies - intellectual disability - autism spectrum disorder. Last evaluated: 2018-10-12. Review status: criteria provided, single submitter. Criteria: ACMG Guidelines, 2015. Collection method: clinical testing. Allele origin: germline. Affected: yes. Observed: 1 variant allele.

Literature cited by the submitters: PubMed 38254177 (cited by Variantyx, Inc.); PubMed 29724491 (cited by Labcorp Genetics (formerly Invitae), Labcorp); PubMed 30106381 (cited by Labcorp Genetics (formerly Invitae), Labcorp); PubMed 30687093 (cited by Labcorp Genetics (formerly Invitae), Labcorp).